The following is an entry in ClinVar:

NM_001080779.2(MYO1C):c.2135+14G>A

Gene: MYO1C (myosin IC; minus strand). Cytogenetic location: 17p13.3.
Variant type: single nucleotide variant.
Coding change: c.2135+14G>A on transcript NM_001080779.2 (MANE Select); 14 bases into the intron after coding-DNA position 2135, G replaced by A.
Molecular consequence: intron variant.
Genome position (GRCh38, 1-based): chr17:1,471,209, C>T on the plus strand (G>A on the coding strand, the complement: MYO1C is on the minus strand). VCF-style: chr17-1471209-C-T. GRCh37 (hg19) VCF-style: chr17-1374503-C-T.
Other names: c.2030+14G>A (NM_033375.5); c.2078+14G>A (NM_001080950.2); c.2063+14G>A (NM_001363855.1).
Identifiers: ClinVar variation 682794 (VCV000682794.2), dbSNP rs2302456, ClinGen allele CA8267172.

ClinVar aggregate classification (germline): Benign. Review status: criteria provided, multiple submitters, no conflicts (2 of 4 stars). 2 submissions from 2 submitters: Benign (2). Last evaluated 2018-06-16.

Allele frequency attached by ClinVar (database versions not stated): ESP Exome Variant Server 0.06120; gnomAD 0.06599; TOPMed 0.07407; ExAC 0.08319; 1000 Genomes Project 30x 0.09057; 1000 Genomes Project 0.09385.
gnomAD v4.1: 116,615 of 1,613,702 alleles (7.2%); highest among the groups gnomAD compares: Admixed American, 18%; 4,902 homozygotes.

Submissions (2):

GeneDx
Classification: Benign. Last evaluated: 2018-06-16. Review status: criteria provided, single submitter. Criteria: GeneDx Variant Classification (06012015). Collection method: clinical testing. Allele origin: germline. Affected: yes.
Comment: This variant is considered likely benign or benign based on one or more of the following criteria: it is a conservative change, it occurs at a poorly conserved position in the protein, it is predicted to be benign by multiple in silico algorithms, and/or has population frequency not consistent with disease.

Breakthrough Genomics
Classification: Benign. Review status: criteria provided, single submitter. Criteria: ACMG Guidelines, 2015. Collection method: not provided. Allele origin: germline. Inheritance: Unknown mechanism. Affected: yes.